The following is an entry in ClinVar:

ClinVar aggregate classification (germline): Uncertain significance. Review status: criteria provided, multiple submitters, no conflicts (2 of 4 stars). 2 submissions from 2 submitters: Uncertain significance (2). Last evaluated 2025-09-10.

Conditions:
Inborn genetic diseases. Identifiers: MedGen C0950123, MeSH D030342.

gnomAD v4.1: 18 of 1,613,834 alleles (0.0011%); highest among the groups gnomAD compares: Middle Eastern, 0.049%; no homozygotes.

Submissions (2):

Ambry Genetics
Classification: Uncertain significance for Inborn genetic diseases. Last evaluated: 2025-09-10. Review status: criteria provided, single submitter. Criteria: Ambry Variant Classification Scheme 2023. Collection method: clinical testing. Allele origin: germline.

Labcorp Genetics (formerly Invitae), Labcorp
Classification: Uncertain significance. Last evaluated: 2025-03-29. Review status: criteria provided, single submitter. Criteria: Invitae Variant Classification Sherloc (09022015). Collection method: clinical testing. Allele origin: germline.
Comment: This sequence change replaces proline, which is neutral and non-polar, with histidine, which is basic and polar, at codon 1505 of the ROBO1 protein (p.Pro1505His). This variant is present in population databases (rs566575337, gnomAD 0.01%). This variant has not been reported in the literature in individuals affected with ROBO1-related conditions. Invitae Evidence Modeling of protein sequence and biophysical properties (such as structural, functional, and spatial information, amino acid conservation, physicochemical variation, residue mobility, and thermodynamic stability) indicates that this missense variant is not expected to disrupt ROBO1 protein function with a negative predictive value of 95%. In summary, the available evidence is currently insufficient to determine the role of this variant in disease. Therefore, it has been classified as a Variant of Uncertain Significance.

NM_002941.4(ROBO1):c.4514C>A (p.Pro1505His)

Gene: ROBO1 (roundabout guidance receptor 1; minus strand). Cytogenetic location: 3p12.3.
Variant type: single nucleotide variant.
Coding change: c.4514C>A on transcript NM_002941.4 (MANE Select); coding-DNA position 4514, C replaced by A.
Protein change: p.Pro1505His; replaces proline 1505 with histidine.
Molecular consequence: missense variant.
Genome position (GRCh38, 1-based): chr3:78,606,963, G>T on the plus strand (C>A on the coding strand, the complement: ROBO1 is on the minus strand). VCF-style: chr3-78606963-G-T. GRCh37 (hg19) VCF-style: chr3-78656113-G-T.
Other names: c.4214C>A, p.Pro1405His (NM_001145845.2); c.4379C>A, p.Pro1460His (NM_133631.4); short protein forms P1460H, P1505H, P1405H.
Identifiers: ClinVar variation 4156000 (VCV004156000.2).